The following is an entry in ClinVar:

NM_000492.4(CFTR):c.2438C>T (p.Ser813Phe)

Gene: CFTR (CF transmembrane conductance regulator; plus strand). Cytogenetic location: 7q31.2.
Variant type: single nucleotide variant.
Coding change: c.2438C>T on transcript NM_000492.4 (MANE Select); coding-DNA position 2438, C replaced by T.
Protein change: p.Ser813Phe; replaces serine 813 with phenylalanine.
Molecular consequence: missense variant.
Genome position (GRCh38, 1-based): chr7:117,592,605, C>T. VCF-style: chr7-117592605-C-T. GRCh37 (hg19) VCF-style: chr7-117232659-C-T.
Other names: short protein forms S813F.
Identifiers: ClinVar variation 3491686 (VCV003491686.1).

ClinVar aggregate classification (germline): Uncertain significance (1 of 4 stars; one submission).

Conditions:
Cystic fibrosis (CF). Also called: MUCOVISCIDOSIS. Identifiers: Orphanet 586, MedGen C0010674, MONDO:0009061, OMIM 219700. Disease mechanism: loss of function.

Submission:

Ambry Genetics
Classification: Uncertain significance for Cystic fibrosis. Last evaluated: 2024-10-28. Review status: criteria provided, single submitter. Criteria: Ambry Variant Classification Scheme 2023. Collection method: clinical testing. Allele origin: germline.
Comment: The p.S813F variant (also known as c.2438C>T), located in coding exon 14 of the CFTR gene, results from a C to T substitution at nucleotide position 2438. The serine at codon 813 is replaced by phenylalanine, an amino acid with highly dissimilar properties. This amino acid position is conserved. In addition, this alteration is predicted to be deleterious by in silico analysis. Based on the available evidence, the clinical significance of this variant remains unclear.